The following is an entry in ClinVar:

NM_052964.4(CLNK):c.92C>T (p.Pro31Leu)

Gene: CLNK (cytokine dependent hematopoietic cell linker; minus strand). Cytogenetic location: 4p16.1.
Variant type: single nucleotide variant.
Coding change: c.92C>T on transcript NM_052964.4 (MANE Select); coding-DNA position 92, C replaced by T.
Protein change: p.Pro31Leu; replaces proline 31 with leucine.
Molecular consequence: missense variant.
Genome position (GRCh38, 1-based): chr4:10,584,947, G>A on the plus strand (C>T on the coding strand, the complement: CLNK is on the minus strand). VCF-style: chr4-10584947-G-A. GRCh37 (hg19) VCF-style: chr4-10586571-G-A.
Other names: short protein forms P31L.
Identifiers: ClinVar variation 402545 (VCV000402545.5), dbSNP rs61759824, ClinGen allele CA2859573.

ClinVar aggregate classification (germline): Benign. Review status: criteria provided, multiple submitters, no conflicts (2 of 4 stars). 2 submissions from 2 submitters: Benign (2). Last evaluated 2016-03-29.

Allele frequency attached by ClinVar (database versions not stated): 1000 Genomes Project 30x 0.02452; 1000 Genomes Project 0.02596; gnomAD 0.04021 and 0.04093; TOPMed 0.04024; gnomAD exomes 0.04319 and 0.05373; ExAC 0.04387; ESP Exome Variant Server 0.04537.
gnomAD v4.1: 84,339 of 1,613,330 alleles (5.2%); highest among the groups gnomAD compares: Middle Eastern, 6.4%; 2,511 homozygotes.

Submissions (2):

Laboratory for Molecular Medicine, Mass General Brigham Personalized Medicine
Classification: Benign. Last evaluated: 2016-03-29. Review status: criteria provided, single submitter. Criteria: LMM Criteria. Collection method: clinical testing. Allele origin: germline.
Comment: Variant identified in a genome or exome case(s) and assessed due to predicted null impact of the variant or pathogenic assertions in the literature or databases. Disclaimer: This variant has not undergone full assessment. The following are preliminary notes: Frequency

Breakthrough Genomics
Classification: Benign. Review status: criteria provided, single submitter. Criteria: ACMG Guidelines, 2015. Collection method: not provided. Allele origin: germline. Inheritance: Unknown mechanism. Affected: yes.